The following is an entry in ClinVar:

NM_016955.4(SEPSECS):c.115-3A>T

Gene: SEPSECS (Sep (O-phosphoserine) tRNA:Sec (selenocysteine) tRNA synthase; minus strand). Cytogenetic location: 4p15.2.
Variant type: single nucleotide variant.
Coding change: c.115-3A>T on transcript NM_016955.4 (MANE Select); 3 bases into the intron before coding-DNA position 115, A replaced by T.
Molecular consequence: intron variant.
Genome position (GRCh38, 1-based): chr4:25,159,110, T>A on the plus strand (A>T on the coding strand, the complement: SEPSECS is on the minus strand). VCF-style: chr4-25159110-T-A. GRCh37 (hg19) VCF-style: chr4-25160732-T-A.
Other names: c.370-3A>T (NM_001410714.1).
Identifiers: ClinVar variation 3674249 (VCV003674249.2).

ClinVar aggregate classification (germline): Uncertain significance (1 of 4 stars; one submission).

Submission:

Labcorp Genetics (formerly Invitae), Labcorp
Classification: Uncertain significance. Last evaluated: 2024-05-04. Review status: criteria provided, single submitter. Criteria: Invitae Variant Classification Sherloc (09022015). Collection method: clinical testing. Allele origin: germline.
Comment: This sequence change falls in intron 1 of the SEPSECS gene. It does not directly change the encoded amino acid sequence of the SEPSECS protein. It affects a nucleotide within the consensus splice site. This variant is not present in population databases (gnomAD no frequency). This variant has not been reported in the literature in individuals affected with SEPSECS-related conditions. Variants that disrupt the consensus splice site are a relatively common cause of aberrant splicing (PMID: 17576681, 9536098). Algorithms developed to predict the effect of sequence changes on RNA splicing suggest that this variant is not likely to affect RNA splicing. In summary, the available evidence is currently insufficient to determine the role of this variant in disease. Therefore, it has been classified as a Variant of Uncertain Significance.

Literature cited by the submitters: PubMed 17576681; PubMed 9536098.